The following is an entry in ClinVar:

NM_001374385.1(ATP8B1):c.3655G>C (p.Asp1219His)

Genes: ATP8B1 (ATPase phospholipid transporting 8B1; minus strand), ATP8B1-AS1 (ATP8B1 antisense RNA 1; plus strand). Cytogenetic location: 18q21.31.
Variant type: single nucleotide variant.
Coding change: c.3655G>C on transcript NM_001374385.1 (MANE Select); coding-DNA position 3655, G replaced by C.
Protein change: p.Asp1219His; replaces aspartic acid 1219 with histidine.
Molecular consequence: missense variant.
Genome position (GRCh38, 1-based): chr18:57,648,589, C>G on the plus strand (G>C on the coding strand, the complement: ATP8B1 is on the minus strand). VCF-style: chr18-57648589-C-G. GRCh37 (hg19) VCF-style: chr18-55315821-C-G.
Other names: c.3505G>C, p.Asp1169His (NM_001374386.1); c.3655G>C, p.Asp1219His (NM_005603.6); short protein forms D1169H, D1219H.
Identifiers: ClinVar variation 3366766 (VCV003366766.2).

ClinVar aggregate classification (germline): Uncertain significance. Review status: criteria provided, multiple submitters, no conflicts (2 of 4 stars). 2 submissions from 2 submitters: Uncertain significance (2). Last evaluated 2026-04-14.

Conditions:
Familial intrahepatic cholestasis. Identifiers: Orphanet 284385, MedGen CN296401, MONDO:0017290.

gnomAD v4.1: 2 of 1,611,198 alleles (0.00012%); highest among the groups gnomAD compares: Non-Finnish European, 0.00017%; no homozygotes.

Submissions (2):

Genomenon, Inc
Classification: Uncertain significance for Familial intrahepatic cholestasis. Last evaluated: 2026-04-14. Review status: criteria provided, single submitter. Criteria: Genomenon Sequence Variant Interpretation Standards - Updated. Collection method: curation. Allele origin: germline. Affected: no.
Comment: ATP8B1 p.Asp1219His (c.3655G>C) is a missense variant that changes the amino acid at residue 1219 from Aspartic acid to Histidine. This variant has been reported in the published literature (PMID:29238877;33070363). It is absent or not present at a significant frequency in gnomAD. In conclusion, we classify ATP8B1 p.Asp1219His (c.3655G>C) as a variant of uncertain significance.

Women's Health and Genetics/Laboratory Corporation of America, LabCorp
Classification: Uncertain significance. Last evaluated: 2024-08-30. Review status: criteria provided, single submitter. Criteria: LabCorp Variant Classification Summary - May 2015. Collection method: clinical testing. Allele origin: germline.
Comment: Variant summary: ATP8B1 c.3655G>C (p.Asp1219His) results in a non-conservative amino acid change in the encoded protein sequence. Four of five in-silico tools predict a damaging effect of the variant on protein function. The variant allele was found at a frequency of 8.2e-06 in 244808 control chromosomes. The available data on variant occurrences in the general population are insufficient to allow any conclusion about variant significance. c.3655G>C has been reported in the literature in the heterozygous state in at least one individual with elevated GGT (Vitale_2018). These report(s) do not provide unequivocal conclusions about association of the variant with Familial Intrahepatic Cholestasis. To our knowledge, no experimental evidence demonstrating an impact on protein function has been reported. The following publication have been ascertained in the context of this evaluation (PMID: 29238877). No submitters have cited clinical-significance assessments for this variant to ClinVar. Based on the evidence outlined above, the variant was classified as uncertain significance.

Literature cited by the submitters: PubMed 29238877 (cited by Genomenon, Inc and Women's Health and Genetics/Laboratory Corporation of America, LabCorp); PubMed 33070363 (cited by Genomenon, Inc).